The following is an entry in ClinVar:

ClinVar aggregate classification (germline): Conflicting classifications of pathogenicity. Review status: criteria provided, conflicting classifications (1 of 4 stars). 5 submissions from 5 submitters: Uncertain significance (3); Likely benign (1). 1 of the submissions does not count toward it. Last evaluated 2026-08-31.

Conditions:
FIG4-related disorder. Also called: FIG4-related condition; FIG4-related disorders.
Charcot-Marie-Tooth disease type 4. Also called: Charcot-Marie-Tooth, Type 4; Charcot-Marie-Tooth disease, type IV. Identifiers: Orphanet 64749, MedGen C4082197, MONDO:0018995.
Inborn genetic diseases. Identifiers: MedGen C0950123, MeSH D030342.
Charcot-Marie-Tooth disease. Also called: Charcot-Marie-Tooth Hereditary Neuropathy; Charcot-Marie-Tooth Neuropathy. Identifiers: Orphanet 166, MedGen C0007959, MONDO:0015626.

Allele frequency attached by ClinVar (database versions not stated): TOPMed 0.00002; gnomAD 0.00003 and 0.00004.
gnomAD v4.1: 40 of 1,613,408 alleles (0.0025%); highest among the groups gnomAD compares: Non-Finnish European, 0.0033%; no homozygotes.

Submissions (5):

PreventionGenetics, part of Exact Sciences
Classification: Uncertain significance for FIG4-related condition. Last evaluated: 2026-08-31. Review status: criteria provided, single submitter. Criteria: ACMG Guidelines, 2015. Collection method: clinical testing. Allele origin: germline.
Comment: The FIG4 c.1880C>A variant is predicted to result in the amino acid substitution p.Thr627Lys. To our knowledge, this variant has not been reported in the literature. This variant is reported in 0.0078% of alleles in individuals of European (Non-Finnish) descent in gnomAD. At this time, the clinical significance of this variant is uncertain due to the absence of conclusive functional and genetic evidence.

CeGaT Center for Human Genetics Tuebingen
Classification: Likely benign. Last evaluated: 2026-06-01. Review status: criteria provided, single submitter. Criteria: CeGaT Center For Human Genetics Tuebingen Variant Classification Criteria Version 2. Collection method: clinical testing. Allele origin: germline. Affected: yes. Observed: 2 variant alleles.
Comment: FIG4: BP4

Ambry Genetics
Classification: Uncertain significance for Inborn genetic diseases. Last evaluated: 2026-05-14. Review status: criteria provided, single submitter. Criteria: Ambry Variant Classification Scheme 2023. Collection method: clinical testing. Allele origin: germline.
Comment: The p.T627K variant (also known as c.1880C>A), located in coding exon 16 of the FIG4 gene, results from a C to A substitution at nucleotide position 1880. The threonine at codon 627 is replaced by lysine, an amino acid with similar properties. This amino acid position is conserved. In addition, this alteration is predicted to be tolerated by in silico analysis. Based on the available evidence, the clinical significance of this variant remains unclear.

Labcorp Genetics (formerly Invitae), Labcorp
Classification: Uncertain significance for Charcot-Marie-Tooth disease type 4. Last evaluated: 2025-12-14. Review status: criteria provided, single submitter. Criteria: Invitae Variant Classification Sherloc (09022015). Collection method: clinical testing. Allele origin: germline.
Comment: This sequence change replaces threonine, which is neutral and polar, with lysine, which is basic and polar, at codon 627 of the FIG4 protein (p.Thr627Lys). This variant is present in population databases (rs770831509, gnomAD 0.008%). This variant has not been reported in the literature in individuals affected with FIG4-related conditions. ClinVar contains an entry for this variant (Variation ID: 660760). An algorithm developed to predict the effect of missense changes on protein structure and function (PolyPhen-2) suggests that this variant is likely to be tolerated. In summary, the available evidence is currently insufficient to determine the role of this variant in disease. Therefore, it has been classified as a Variant of Uncertain Significance.

Genesis Genome Database
Classification: Uncertain significance for Charcot-Marie-Tooth disease. Last evaluated: 2019-08-14. Review status: no assertion criteria provided. Collection method: research. Allele origin: germline. Affected: yes. Not counted in ClinVar's aggregate classification.

NM_014845.6(FIG4):c.1880C>A (p.Thr627Lys)

Gene: FIG4 (FIG4 phosphoinositide 5-phosphatase; plus strand). Cytogenetic location: 6q21.
Variant type: single nucleotide variant.
Coding change: c.1880C>A on transcript NM_014845.6 (MANE Select); coding-DNA position 1880, C replaced by A.
Protein change: p.Thr627Lys; replaces threonine 627 with lysine.
Molecular consequence: missense variant.
Genome position (GRCh38, 1-based): chr6:109,777,051, C>A. VCF-style: chr6-109777051-C-A. GRCh37 (hg19) VCF-style: chr6-110098254-C-A.
Other names: short protein forms T627K.
Identifiers: ClinVar variation 660760 (VCV000660760.18), dbSNP rs770831509, ClinGen allele CA3956199.